The following is an entry in ClinVar:

NM_001614.5(ACTG1):c.-23G>A

Gene: ACTG1 (actin gamma 1; minus strand). Cytogenetic location: 17q25.3.
Variant type: single nucleotide variant.
Coding change: c.-23G>A on transcript NM_001614.5 (MANE Select); 23 bases upstream of the start codon, G replaced by A.
Molecular consequence: 5 prime UTR variant. On other transcripts: non-coding transcript variant (1).
Genome position (GRCh38, 1-based): chr17:81,512,750, C>T on the plus strand (G>A on the coding strand, the complement: ACTG1 is on the minus strand). VCF-style: chr17-81512750-C-T. GRCh37 (hg19) VCF-style: chr17-79479776-C-T.
Other names: c.-142G>A (NM_001199954.3).
Identifiers: ClinVar variation 511526 (VCV000511526.1), dbSNP rs782247430, ClinGen allele CA8836494.

ClinVar aggregate classification (germline): Likely benign (1 of 4 stars; one submission).

Allele frequency attached by ClinVar (database versions not stated): TOPMed 0.00003; ExAC 0.00012.

Submission:

GeneDx
Classification: Likely benign. Last evaluated: 2017-08-16. Review status: criteria provided, single submitter. Criteria: GeneDx Variant Classification (06012015). Collection method: clinical testing. Allele origin: germline. Affected: yes.
Comment: This variant is considered likely benign or benign based on one or more of the following criteria: it is a conservative change, it occurs at a poorly conserved position in the protein, it is predicted to be benign by multiple in silico algorithms, and/or has population frequency not consistent with disease.